The following is an entry in ClinVar:

NM_001278716.2(FBXL4):c.1139T>C (p.Leu380Pro)

Gene: FBXL4 (F-box and leucine rich repeat protein 4; minus strand). Cytogenetic location: 6q16.1.
Variant type: single nucleotide variant.
Coding change: c.1139T>C on transcript NM_001278716.2 (MANE Select); coding-DNA position 1139, T replaced by C.
Protein change: p.Leu380Pro; replaces leucine 380 with proline.
Molecular consequence: missense variant. On other transcripts: non-coding transcript variant (2).
Genome position (GRCh38, 1-based): chr6:98,899,446, A>G on the plus strand (T>C on the coding strand, the complement: FBXL4 is on the minus strand). VCF-style: chr6-98899446-A-G. GRCh37 (hg19) VCF-style: chr6-99347322-A-G.
Other names: c.1139T>C, p.Leu380Pro (NM_012160.5); short protein forms L380P.
Identifiers: ClinVar variation 437702 (VCV000437702.1), dbSNP rs749139510, ClinGen allele CA3933514.
Genomic context (GRCh38, chr6:98,899,446, plus strand): 5'-CACATCTCAGAAATAACTTCTAAGCAAGTTTCATTAAGAAAGTGGCTGCAAGACAATTCA[A>G]GGCGTACTAATTCGGATCCACAAACCTTCAGAAACCTGCCAAAACAACATTCTATGTGAA-3'
Protein context (NP_001265645.1, residues 370-390): LKVCGSELVR[Leu380Pro]ELSCSHFLNE

ClinVar aggregate classification (germline): Uncertain significance (1 of 4 stars; one submission).

Conditions:
Mitochondrial DNA depletion syndrome 13. Also called: FBXL4-Related Encephalomyopathic Mitochondrial DNA Depletion Syndrome; Mitochondrial DNA depletion syndrome 13 (encephalomyopathic type). Identifiers: Orphanet 369897, MedGen C3809592, MONDO:0014198, OMIM 615471.

Allele frequency attached by ClinVar (database versions not stated): gnomAD exomes below 0.00001; ExAC 0.00001.

Submission:

Wong Mito Lab, Molecular and Human Genetics, Baylor College of Medicine
Classification: Uncertain significance for Mitochondrial DNA depletion syndrome 13. Last evaluated: 2017-08-10. Review status: criteria provided, single submitter. Criteria: ACMG Guidelines, 2015. Collection method: reference population. Allele origin: germline.
Comment: The NM_012160.4:c.1139T>C (NP_036292.2:p.Leu380Pro) [GRCH38: NC_000006.12:g.98899446A>G] variant in FBXL4 gene is interpretated to be a Uncertain Significance - Insufficient Evidence based on ACMG guidelines (PMID: 25741868). This variant meets one or more of the following evidence codes reported in the ACMG-guideline. PM2:This variant is absent in key population databases. PP3:Computational evidence/predictors indicate the variant has deleterious effect on FBXL4 structure, function, or protein-protein interaction. Based on this evidence code ClinGen Pathogenicity Calculator (PMID:28081714) suggested that the variant is Uncertain Significance - Insufficient Evidence.